The following is an entry in ClinVar:

NM_031407.7(HUWE1):c.10459A>G (p.Thr3487Ala)

Gene: HUWE1 (HECT, UBA and WWE domain containing E3 ubiquitin protein ligase 1; minus strand). Cytogenetic location: Xp11.22.
Variant type: single nucleotide variant.
Coding change: c.10459A>G on transcript NM_031407.7 (MANE Select); coding-DNA position 10459, A replaced by G.
Protein change: p.Thr3487Ala; replaces threonine 3487 with alanine.
Molecular consequence: missense variant.
Genome position (GRCh38, 1-based): chrX:53,547,850, T>C on the plus strand (A>G on the coding strand, the complement: HUWE1 is on the minus strand). VCF-style: chrX-53547850-T-C. GRCh37 (hg19) VCF-style: chrX-53574811-T-C.
Other names: short protein forms T3487A.
Identifiers: ClinVar variation 1254440 (VCV001254440.9), dbSNP rs781796838, ClinGen allele CA10421543.
Genomic context (GRCh38, chrX:53,547,850, plus strand): 5'-CAGTAGGGGGTGTGGGCGTGGTGGAGGCGGCAGTGGTGGTGGTGGTAGATGTGGTTGAGG[T>C]GGCAGTGGTGGTGGAGGAAGCACCGCTGCCAGAATTAGCCTGTGCTTCTGACACCTTGTT-3'
Protein context (NP_113584.3, residues 3477-3497): GSGASSTTTA[Thr3487Ala]STTSTTTTTA

ClinVar aggregate classification (germline): Benign/Likely benign. Review status: criteria provided, multiple submitters, no conflicts (2 of 4 stars). 4 submissions from 4 submitters: Benign (1); Likely benign (3). Last evaluated 2026-09-01.

Conditions:
Inborn genetic diseases. Identifiers: MedGen C0950123, MeSH D030342.

Allele frequency attached by ClinVar (database versions not stated): gnomAD exomes 0.00002 and 0.00011; gnomAD 0.00005; TOPMed 0.00007; ExAC 0.00011.
gnomAD v4.1: 29 of 1,199,417 alleles (0.0024%); highest among the groups gnomAD compares: Admixed American, 0.058%; 1 homozygote.

Submissions (4):

CeGaT Center for Human Genetics Tuebingen
Classification: Likely benign. Last evaluated: 2026-09-01. Review status: criteria provided, single submitter. Criteria: CeGaT Center For Human Genetics Tuebingen Variant Classification Criteria Version 2. Collection method: clinical testing. Allele origin: germline. Affected: yes. Observed: 1 variant allele.
Comment: HUWE1: BP4, BS2

Labcorp Genetics (formerly Invitae), Labcorp
Classification: Benign. Last evaluated: 2025-09-08. Review status: criteria provided, single submitter. Criteria: Invitae Variant Classification Sherloc (09022015). Collection method: clinical testing. Allele origin: germline.

Ambry Genetics
Classification: Likely benign for Inborn genetic diseases. Last evaluated: 2022-06-13. Review status: criteria provided, single submitter. Criteria: Ambry Variant Classification Scheme 2023. Collection method: clinical testing. Allele origin: germline.

GeneDx
Classification: Likely benign. Last evaluated: 2021-02-06. Review status: criteria provided, single submitter. Criteria: GeneDx Variant Classification Process June 2021. Collection method: clinical testing. Allele origin: germline. Affected: yes.